The following is an entry in ClinVar:

ClinVar aggregate classification (germline): Uncertain significance (1 of 4 stars; one submission).

Conditions:
Mosaic variegated aneuploidy syndrome 1 (MVA1). Also called: Warburton-Anyane-Yeboa syndrome. Identifiers: Orphanet 1052, MedGen C1850343, MONDO:0009759, OMIM 257300.

Submission:

Labcorp Genetics (formerly Invitae), Labcorp
Classification: Uncertain significance for Mosaic variegated aneuploidy syndrome 1. Last evaluated: 2023-07-06. Review status: criteria provided, single submitter. Criteria: Invitae Variant Classification Sherloc (09022015). Collection method: clinical testing. Allele origin: germline.
Comment: This sequence change replaces alanine, which is neutral and non-polar, with valine, which is neutral and non-polar, at codon 10 of the BUB1B protein (p.Ala10Val). This variant is not present in population databases (gnomAD no frequency). This variant has not been reported in the literature in individuals affected with BUB1B-related conditions. Algorithms developed to predict the effect of missense changes on protein structure and function output the following: SIFT: "Not Available"; PolyPhen-2: "Benign"; Align-GVGD: "Not Available". The valine amino acid residue is found in multiple mammalian species, which suggests that this missense change does not adversely affect protein function. In summary, the available evidence is currently insufficient to determine the role of this variant in disease. Therefore, it has been classified as a Variant of Uncertain Significance.

NM_001211.6(BUB1B):c.29C>T (p.Ala10Val)

Genes: BUB1B (BUB1 mitotic checkpoint serine/threonine kinase B; plus strand), LOC130056830 (ATAC-STARR-seq lymphoblastoid active region 9236; plus strand). Cytogenetic location: 15q15.1.
Variant type: single nucleotide variant.
Coding change: c.29C>T on transcript NM_001211.6 (MANE Select); coding-DNA position 29, C replaced by T.
Protein change: p.Ala10Val; replaces alanine 10 with valine.
Molecular consequence: missense variant.
Genome position (GRCh38, 1-based): chr15:40,161,249, C>T. VCF-style: chr15-40161249-C-T. GRCh37 (hg19) VCF-style: chr15-40453450-C-T.
Other names: short protein forms A10V.
Identifiers: ClinVar variation 2964932 (VCV002964932.3), dbSNP rs1160797735, ClinGen allele CA391676500.